The following is an entry in ClinVar:

ClinVar aggregate classification (germline): Uncertain significance (1 of 4 stars; one submission).

Conditions:
Cornelia de Lange syndrome 1 (CDLS1). Also called: Brachmann de Lange syndrome; TYPUS DEGENERATIVUS AMSTELODAMENSIS; NIPBL-Related Cornelia de Lange Syndrome. Identifiers: Orphanet 199, MedGen C4551851, MONDO:0007387, OMIM 122470.

Allele frequency attached by ClinVar (database versions not stated): gnomAD exomes below 0.00001; gnomAD 0.00001.

Submission:

Labcorp Genetics (formerly Invitae), Labcorp
Classification: Uncertain significance for Cornelia de Lange syndrome 1. Last evaluated: 2024-09-05. Review status: criteria provided, single submitter. Criteria: Invitae Variant Classification Sherloc (09022015). Collection method: clinical testing. Allele origin: germline.
Comment: This sequence change replaces methionine, which is neutral and non-polar, with leucine, which is neutral and non-polar, at codon 112 of the NIPBL protein (p.Met112Leu). This variant is not present in population databases (gnomAD no frequency). This variant has not been reported in the literature in individuals affected with NIPBL-related conditions. ClinVar contains an entry for this variant (Variation ID: 1449224). Invitae Evidence Modeling of protein sequence and biophysical properties (such as structural, functional, and spatial information, amino acid conservation, physicochemical variation, residue mobility, and thermodynamic stability) indicates that this missense variant is not expected to disrupt NIPBL protein function with a negative predictive value of 95%. In summary, the available evidence is currently insufficient to determine the role of this variant in disease. Therefore, it has been classified as a Variant of Uncertain Significance.

NM_133433.4(NIPBL):c.334A>C (p.Met112Leu)

Gene: NIPBL (NIPBL cohesin loading factor; plus strand). Cytogenetic location: 5p13.2.
Variant type: single nucleotide variant.
Coding change: c.334A>C on transcript NM_133433.4 (MANE Select); coding-DNA position 334, A replaced by C.
Protein change: p.Met112Leu; replaces methionine 112 with leucine.
Molecular consequence: missense variant.
Genome position (GRCh38, 1-based): chr5:36,958,207, A>C. VCF-style: chr5-36958207-A-C. GRCh37 (hg19) VCF-style: chr5-36958309-A-C.
Other names: c.334A>C, p.Met112Leu (NM_015384.5); short protein forms M112L.
Identifiers: ClinVar variation 1449224 (VCV001449224.8), dbSNP rs1242572717, ClinGen allele CA359475215.